The following is an entry in ClinVar:

ClinVar aggregate classification (germline): Uncertain significance (1 of 4 stars; one submission).

Allele frequency attached by ClinVar (database versions not stated): gnomAD 0.00002; TOPMed 0.00004.
gnomAD v4.1: 12 of 1,614,066 alleles (0.00074%); highest among the groups gnomAD compares: Non-Finnish European, 0.00093%; no homozygotes.

Submission:

Labcorp Genetics (formerly Invitae), Labcorp
Classification: Uncertain significance. Last evaluated: 2022-03-10. Review status: criteria provided, single submitter. Criteria: Invitae Variant Classification Sherloc (09022015). Collection method: clinical testing. Allele origin: germline.
Comment: This sequence change replaces glycine, which is neutral and non-polar, with alanine, which is neutral and non-polar, at codon 3723 of the LRP2 protein (p.Gly3723Ala). This variant is present in population databases (rs747178274, gnomAD 0.002%). This variant has not been reported in the literature in individuals affected with LRP2-related conditions. Advanced modeling of protein sequence and biophysical properties (such as structural, functional, and spatial information, amino acid conservation, physicochemical variation, residue mobility, and thermodynamic stability) performed at Invitae indicates that this missense variant is expected to disrupt LRP2 protein function. In summary, the available evidence is currently insufficient to determine the role of this variant in disease. Therefore, it has been classified as a Variant of Uncertain Significance.

NM_004525.3(LRP2):c.11168G>C (p.Gly3723Ala)

Gene: LRP2 (LDL receptor related protein 2; minus strand). Cytogenetic location: 2q31.1.
Variant type: single nucleotide variant.
Coding change: c.11168G>C on transcript NM_004525.3 (MANE Select); coding-DNA position 11168, G replaced by C.
Protein change: p.Gly3723Ala; replaces glycine 3723 with alanine.
Molecular consequence: missense variant.
Genome position (GRCh38, 1-based): chr2:169,172,110, C>G on the plus strand (G>C on the coding strand, the complement: LRP2 is on the minus strand). VCF-style: chr2-169172110-C-G. GRCh37 (hg19) VCF-style: chr2-170028620-C-G.
Other names: short protein forms G3723A.
Identifiers: ClinVar variation 2046130 (VCV002046130.1), dbSNP rs747178274, ClinGen allele CA1953155.